The following is an entry in ClinVar:

NM_004444.5(EPHB4):c.1577C>T (p.Thr526Ile)

Gene: EPHB4 (EPH receptor B4; minus strand). Cytogenetic location: 7q22.1.
Variant type: single nucleotide variant.
Coding change: c.1577C>T on transcript NM_004444.5 (MANE Select); coding-DNA position 1577, C replaced by T.
Protein change: p.Thr526Ile; replaces threonine 526 with isoleucine.
Molecular consequence: missense variant.
Genome position (GRCh38, 1-based): chr7:100,817,203, G>A on the plus strand (C>T on the coding strand, the complement: EPHB4 is on the minus strand). VCF-style: chr7-100817203-G-A. GRCh37 (hg19) VCF-style: chr7-100414825-G-A.
Other names: short protein forms T526I.
Identifiers: ClinVar variation 3224270 (VCV003224270.1), dbSNP rs2485028039, ClinGen allele CA368572710.

ClinVar aggregate classification (germline): Uncertain significance (1 of 4 stars; one submission).

Conditions:
Cardiovascular phenotype. Identifiers: MedGen CN230736.

Submission:

Ambry Genetics
Classification: Uncertain significance for Cardiovascular phenotype. Last evaluated: 2023-12-25. Review status: criteria provided, single submitter. Criteria: Ambry Variant Classification Scheme 2023. Collection method: clinical testing. Allele origin: germline.
Comment: The p.T526I variant (also known as c.1577C>T), located in coding exon 8 of the EPHB4 gene, results from a C to T substitution at nucleotide position 1577. The threonine at codon 526 is replaced by isoleucine, an amino acid with similar properties. This amino acid position is conserved. In addition, the in silico prediction for this alteration is inconclusive. Since supporting evidence is limited at this time, the clinical significance of this alteration remains unclear.